The following is an entry in ClinVar:

NM_003638.3(ITGA8):c.739A>G (p.Arg247Gly)

Gene: ITGA8 (integrin subunit alpha 8; minus strand). Cytogenetic location: 10p13.
Variant type: single nucleotide variant.
Coding change: c.739A>G on transcript NM_003638.3 (MANE Select); coding-DNA position 739, A replaced by G.
Protein change: p.Arg247Gly; replaces arginine 247 with glycine.
Molecular consequence: missense variant.
Genome position (GRCh38, 1-based): chr10:15,672,687, T>C on the plus strand (A>G on the coding strand, the complement: ITGA8 is on the minus strand). VCF-style: chr10-15672687-T-C. GRCh37 (hg19) VCF-style: chr10-15714686-T-C.
Other names: c.739A>G, p.Arg247Gly (NM_001291494.2); c.739A>G (NM_003638.1); short protein forms R247G.
Identifiers: ClinVar variation 3353608 (VCV003353608.2).

ClinVar aggregate classification (germline): Uncertain significance. Review status: criteria provided, single submitter (1 of 4 stars). 2 submissions from 2 submitters: Uncertain significance (1). 1 of the submissions does not count toward it. Last evaluated 2024-11-11.

Conditions:
ITGA8-related disorder. Also called: ITGA8-related condition.
Inborn genetic diseases. Identifiers: MedGen C0950123, MeSH D030342.

gnomAD v4.1: 64 of 1,613,814 alleles (0.004%); highest among the groups gnomAD compares: Non-Finnish European, 0.0051%; no homozygotes.

Submissions (2):

Ambry Genetics
Classification: Uncertain significance for Inborn genetic diseases. Last evaluated: 2024-11-11. Review status: criteria provided, single submitter. Criteria: Ambry Variant Classification Scheme 2023. Collection method: clinical testing. Allele origin: germline.

PreventionGenetics, part of Exact Sciences
Classification: Uncertain significance for ITGA8-related condition. Last evaluated: 2024-09-20. Review status: no assertion criteria provided. Collection method: clinical testing. Allele origin: germline. Not counted in ClinVar's aggregate classification.
Comment: The ITGA8 c.739A>G variant is predicted to result in the amino acid substitution p.Arg247Gly. To our knowledge, this variant has not been reported in the literature. This variant is reported in 0.0029% of alleles in individuals of Latino descent in gnomAD. At this time, the clinical significance of this variant is uncertain due to the absence of conclusive functional and genetic evidence.